The following is an entry in ClinVar:

ClinVar aggregate classification (germline): Uncertain significance (1 of 4 stars; one submission).

Allele frequency attached by ClinVar (database versions not stated): gnomAD exomes below 0.00001 and 0.00002; gnomAD 0.00001; TOPMed 0.00001.
gnomAD v4.1: 24 of 1,613,368 alleles (0.0015%); highest among the groups gnomAD compares: Non-Finnish European, 0.002%; no homozygotes.

Submission:

Labcorp Genetics (formerly Invitae), Labcorp
Classification: Uncertain significance. Last evaluated: 2022-01-06. Review status: criteria provided, single submitter. Criteria: Invitae Variant Classification Sherloc (09022015). Collection method: clinical testing. Allele origin: germline.
Comment: In summary, the available evidence is currently insufficient to determine the role of this variant in disease. Therefore, it has been classified as a Variant of Uncertain Significance. Advanced modeling of protein sequence and biophysical properties (such as structural, functional, and spatial information, amino acid conservation, physicochemical variation, residue mobility, and thermodynamic stability) performed at Invitae indicates that this missense variant is expected to disrupt LRP2 protein function. This variant has not been reported in the literature in individuals affected with LRP2-related conditions. This variant is present in population databases (no rsID available, gnomAD 0.0009%). This sequence change replaces isoleucine, which is neutral and non-polar, with methionine, which is neutral and non-polar, at codon 1876 of the LRP2 protein (p.Ile1876Met).

NM_004525.3(LRP2):c.5628A>G (p.Ile1876Met)

Gene: LRP2 (LDL receptor related protein 2; minus strand). Cytogenetic location: 2q31.1.
Variant type: single nucleotide variant.
Coding change: c.5628A>G on transcript NM_004525.3 (MANE Select); coding-DNA position 5628, A replaced by G.
Protein change: p.Ile1876Met; replaces isoleucine 1876 with methionine.
Molecular consequence: missense variant.
Genome position (GRCh38, 1-based): chr2:169,220,474, T>C on the plus strand (A>G on the coding strand, the complement: LRP2 is on the minus strand). VCF-style: chr2-169220474-T-C. GRCh37 (hg19) VCF-style: chr2-170076984-T-C.
Other names: short protein forms I1876M.
Identifiers: ClinVar variation 1417077 (VCV001417077.8), dbSNP rs1337743981, ClinGen allele CA349137831.